The following is an entry in ClinVar:

ClinVar aggregate classification (germline): Conflicting classifications of pathogenicity. Review status: criteria provided, conflicting classifications (1 of 4 stars). 3 submissions from 3 submitters: Uncertain significance (1); Benign (1). 1 of the submissions does not count toward it. Last evaluated 2025-09-08.

Conditions:
COL11A1-related disorder. Also called: COL11A1-related condition; COL11A1-related disorders.

Allele frequency attached by ClinVar (database versions not stated): ExAC 0.00001; gnomAD exomes 0.00001; TOPMed 0.00001.
gnomAD v4.1: 3 of 1,612,656 alleles (0.00019%); highest among the groups gnomAD compares: Admixed American, 0.005%; no homozygotes.

Submissions (3):

Labcorp Genetics (formerly Invitae), Labcorp
Classification: Benign. Last evaluated: 2025-09-08. Review status: criteria provided, single submitter. Criteria: Invitae Variant Classification Sherloc (09022015). Collection method: clinical testing. Allele origin: germline.

GeneDx
Classification: Uncertain significance. Last evaluated: 2025-01-23. Review status: criteria provided, single submitter. Criteria: GeneDx Variant Classification Process June 2021. Collection method: clinical testing. Allele origin: germline. Affected: yes.
Comment: Not observed at significant frequency in large population cohorts (gnomAD); In silico analysis indicates that this missense variant does not alter protein structure/function; Has not been previously published as pathogenic or benign to our knowledge; Not located in the triple helical region, where the majority of pathogenic missense variants occur (PMID: 25240749); This variant is associated with the following publications: (PMID: 25240749)

PreventionGenetics, part of Exact Sciences
Classification: Uncertain significance for COL11A1-related condition. Last evaluated: 2024-06-25. Review status: no assertion criteria provided. Collection method: clinical testing. Allele origin: germline. Not counted in ClinVar's aggregate classification.
Comment: The COL11A1 c.331A>T variant is predicted to result in the amino acid substitution p.Ile111Phe. To our knowledge, this variant has not been reported in the literature. This variant is reported in 0.0087% of alleles in individuals of Latino descent in gnomAD. At this time, the clinical significance of this variant is uncertain due to the absence of conclusive functional and genetic evidence.

NM_001854.4(COL11A1):c.331A>T (p.Ile111Phe)

Gene: COL11A1 (collagen type XI alpha 1 chain; minus strand). Cytogenetic location: 1p21.1.
Variant type: single nucleotide variant.
Coding change: c.331A>T on transcript NM_001854.4 (MANE Select); coding-DNA position 331, A replaced by T.
Protein change: p.Ile111Phe; replaces isoleucine 111 with phenylalanine.
Molecular consequence: missense variant. On other transcripts: non-coding transcript variant (1).
Genome position (GRCh38, 1-based): chr1:103,078,815, T>A on the plus strand (A>T on the coding strand, the complement: COL11A1 is on the minus strand). VCF-style: chr1-103078815-T-A. GRCh37 (hg19) VCF-style: chr1-103544371-T-A.
Other names: c.331A>T, p.Ile111Phe (NM_001190709.2, NM_080629.3, NM_080630.4); c.331A>T (NM_001854.3); short protein forms I111F.
Identifiers: ClinVar variation 1406723 (VCV001406723.8), dbSNP rs759153754, ClinGen allele CA975480.